The following is an entry in ClinVar:

NM_012193.4(FZD4):c.50T>C (p.Val17Ala)

Gene: FZD4 (frizzled class receptor 4; minus strand). Cytogenetic location: 11q14.2.
Variant type: single nucleotide variant.
Coding change: c.50T>C on transcript NM_012193.4 (MANE Select); coding-DNA position 50, T replaced by C.
Protein change: p.Val17Ala; replaces valine 17 with alanine.
Molecular consequence: missense variant.
Genome position (GRCh38, 1-based): chr11:86,955,036, A>G on the plus strand (T>C on the coding strand, the complement: FZD4 is on the minus strand). VCF-style: chr11-86955036-A-G. GRCh37 (hg19) VCF-style: chr11-86666078-A-G.
Other names: c.50T>C (NM_012193.3); short protein forms V17A.
Identifiers: ClinVar variation 1386515 (VCV001386515.11), dbSNP rs369596520, ClinGen allele CA6218542.

ClinVar aggregate classification (germline): Conflicting classifications of pathogenicity. Review status: criteria provided, conflicting classifications (1 of 4 stars). 2 submissions from 2 submitters: Uncertain significance (1); Likely benign (1). Last evaluated 2025-03-31.

Conditions:
Familial exudative vitreoretinopathy. Identifiers: Orphanet 891, MedGen C0339539, MeSH D000080345, MONDO:0019516.

Allele frequency attached by ClinVar (database versions not stated): TOPMed 0.00006; gnomAD 0.00008 and 0.00009; gnomAD exomes 0.00008; ExAC 0.00009; ESP Exome Variant Server 0.00016.

Submissions (2):

Labcorp Genetics (formerly Invitae), Labcorp
Classification: Uncertain significance. Last evaluated: 2025-03-31. Review status: criteria provided, single submitter. Criteria: Invitae Variant Classification Sherloc (09022015). Collection method: clinical testing. Allele origin: germline.
Comment: This sequence change replaces valine, which is neutral and non-polar, with alanine, which is neutral and non-polar, at codon 17 of the FZD4 protein (p.Val17Ala). This variant is present in population databases (rs369596520, gnomAD 0.01%). This variant has not been reported in the literature in individuals affected with FZD4-related conditions. ClinVar contains an entry for this variant (Variation ID: 1386515). Invitae Evidence Modeling of protein sequence and biophysical properties (such as structural, functional, and spatial information, amino acid conservation, physicochemical variation, residue mobility, and thermodynamic stability) indicates that this missense variant is not expected to disrupt FZD4 protein function with a negative predictive value of 80%. In summary, the available evidence is currently insufficient to determine the role of this variant in disease. Therefore, it has been classified as a Variant of Uncertain Significance.

Blueprint Genetics
Classification: Likely benign. Last evaluated: 2020-07-03. Review status: criteria provided, single submitter. Criteria: ACMG Guidelines, 2015. Collection method: clinical testing. Allele origin: germline.